The following is an entry in ClinVar:

NM_002853.4(RAD1):c.46A>T (p.Ser16Cys)

Genes: RAD1 (RAD1 checkpoint DNA exonuclease; minus strand), TTC23L (tetratricopeptide repeat domain 23 like; plus strand). Cytogenetic location: 5p13.2.
Variant type: single nucleotide variant.
Coding change: c.46A>T on transcript NM_002853.4 (MANE Select); coding-DNA position 46, A replaced by T.
Protein change: p.Ser16Cys; replaces serine 16 with cysteine.
Molecular consequence: missense variant. On other transcripts: non-coding transcript variant (1).
Genome position (GRCh38, 1-based): chr5:34,914,847, T>A on the plus strand (A>T on the coding strand, the complement: RAD1 is on the minus strand). VCF-style: chr5-34914847-T-A. GRCh37 (hg19) VCF-style: chr5-34914952-T-A.
Other names: short protein forms S16C.
Identifiers: ClinVar variation 3348855 (VCV003348855.2).

ClinVar aggregate classification (germline): Uncertain significance. Review status: criteria provided, single submitter (1 of 4 stars). 2 submissions from 2 submitters: Uncertain significance (1). 1 of the submissions does not count toward it. Last evaluated 2024-11-09.

Conditions:
RAD1-related disorder. Also called: RAD1-related condition.

gnomAD v4.1: 15 of 1,614,070 alleles (0.00093%); highest among the groups gnomAD compares: Admixed American, 0.0017%; no homozygotes.

Submissions (2):

Ambry Genetics
Classification: Uncertain significance. Last evaluated: 2024-11-09. Review status: criteria provided, single submitter. Criteria: Ambry Variant Classification Scheme 2023. Collection method: clinical testing. Allele origin: germline.

PreventionGenetics, part of Exact Sciences
Classification: Uncertain significance for RAD1-related condition. Last evaluated: 2024-05-31. Review status: no assertion criteria provided. Collection method: clinical testing. Allele origin: germline. Not counted in ClinVar's aggregate classification.
Comment: The RAD1 c.46A>T variant is predicted to result in the amino acid substitution p.Ser16Cys. To our knowledge, this variant has not been reported in the literature. This variant is reported in 0.0053% of alleles in individuals of European (Non-Finnish) descent in gnomAD. At this time, the clinical significance of this variant is uncertain due to the absence of conclusive functional and genetic evidence.